The following is an entry in ClinVar:

ClinVar aggregate classification (germline): Pathogenic. Review status: criteria provided, multiple submitters, no conflicts (2 of 4 stars). 3 submissions from 3 submitters: Pathogenic (3). Last evaluated 2026-04-24.

Conditions:
Hereditary hemorrhagic telangiectasia (HHT). Also called: ORW DISEASE; Osler Weber Rendu syndrome; OSLER-RENDU-WEBER DISEASE; Osler hemorrhagic telangiectasia syndrome. Identifiers: Orphanet 774, MedGen C0039445, MONDO:0019180. Disease mechanism: loss of function.

Submissions (3):

Clinical Genomics Laboratory, Washington University in St. Louis
Classification: Pathogenic. Last evaluated: 2026-04-24. Review status: criteria provided, single submitter. Criteria: Leon-Quintero et al. (Clin Genet. 2025). Collection method: clinical testing. Allele origin: somatic.
Comment: An ENG c.1199del (p.Gly400Valfs*21) variant was identified at an allelic fraction consistent with somatic origin. This variant has been reported in two individuals affected with hereditary hemorrhagic telangiectasia (Lesca G et al., PMID: 15024723; Cymerman U et al., PMID: 12673790). It causes a frameshift by deleting 1 nucleotide, leading to a premature termination codon, which is predicted to lead to nonsense-mediated decay. It has been reported in the ClinVar database as a germline pathogenic variant by two submitters (Variation ID: 407136). It is absent from the general population (gnomAD v4.1.1), indicating it is not a common variant. Based on available information and an internally developed protocol informed by the ACMG/AMP guidelines for variant interpretation and gene-specific practices from the ClinGen Criteria Specification Registry (Leon-Quintero FZ et al., PMID: 39434542), the ENG c.1199del (p.Gly400Valfs*21) variant is classified as pathogenic.

Labcorp Genetics (formerly Invitae), Labcorp
Classification: Pathogenic for Hereditary hemorrhagic telangiectasia. Last evaluated: 2023-07-19. Review status: criteria provided, single submitter. Criteria: Invitae Variant Classification Sherloc (09022015). Collection method: clinical testing. Allele origin: germline.
Comment: For these reasons, this variant has been classified as Pathogenic. ClinVar contains an entry for this variant (Variation ID: 407136). This premature translational stop signal has been observed in individual(s) with Hereditary hemorrhagic telanglectasia (PMID: 12673790, 15024723). This variant is not present in population databases (gnomAD no frequency). This sequence change creates a premature translational stop signal (p.Gly400Valfs*21) in the ENG gene. It is expected to result in an absent or disrupted protein product. Loss-of-function variants in ENG are known to be pathogenic (PMID: 15879500).

Mayo Clinic Laboratories, Mayo Clinic
Classification: Pathogenic. Last evaluated: 2023-05-23. Review status: criteria provided, single submitter. Criteria: ACMG Guidelines, 2015. Collection method: clinical testing. Allele origin: germline. Observed: 2 variant alleles.
Comment: PM2_supporting, PS4_supporting, PVS1

Literature cited by the submitters: PubMed 12673790 (cited by Labcorp Genetics (formerly Invitae), Labcorp and Mayo Clinic Laboratories, Mayo Clinic); PubMed 15024723 (cited by Labcorp Genetics (formerly Invitae), Labcorp); PubMed 15879500 (cited by Labcorp Genetics (formerly Invitae), Labcorp).

NM_001114753.3(ENG):c.1199del (p.Gly400fs)

Genes: ENG (endoglin; minus strand), LOC102723566 (uncharacterized LOC102723566; plus strand). Cytogenetic location: 9q34.11.
Variant type: Deletion.
Coding change: c.1199del on transcript NM_001114753.3 (MANE Select); coding-DNA position 1199, one base deleted (G; older notation c.1199delG).
Protein change: p.Gly400fs; shifts the reading frame from glycine 400.
Molecular consequence: frameshift variant.
Genome position (GRCh38, 1-based): chr9:127,819,973, C deleted on the plus strand (G on the coding strand, the reverse complement: ENG is on the minus strand); the first of 4 consecutive C bases (chr9:127,819,973-127,819,976); deleting any one gives the same sequence. VCF-style (leftmost placement, unchanged base first): chr9-127819972-AC-A. GRCh37 (hg19) VCF-style: chr9-130582251-AC-A.
Other names: p.Gly400Valfs*21; c.1199del (NM_001114753.2); c.1199delG (NM_000118.3); c.1196delG, p.Gly400Valfs (NM_000118.4, NM_001114753.2); c.653del, p.Gly218fs (NM_001278138.2); short protein forms G218fs, G400fs.
Identifiers: ClinVar variation 407136 (VCV000407136.13), dbSNP rs1060501422, ClinGen allele CA16612406.
Genomic context (GRCh38, chr9:127,819,972, plus strand): 5'-CATACTTGCTGACACCTGCATGCCACAGCTGGAGTAAGCACTGCGCAAGACAAACTTGTC[AC>A]CCCTGTCCTCTGCCTCACAGCTGGGGTCCCAGAAGGTCAGGCCCGTGATGGTGCACTTCA-3'